The following is an entry in ClinVar:

NM_013450.4(BAZ2B):c.4069-2A>G

Gene: BAZ2B (bromodomain adjacent to zinc finger domain 2B; minus strand). Cytogenetic location: 2q24.2.
Variant type: single nucleotide variant.
Coding change: c.4069-2A>G on transcript NM_013450.4 (MANE Select); the canonical splice acceptor site of the intron before coding-DNA position 4069, A replaced by G.
Molecular consequence: splice acceptor variant.
Genome position (GRCh38, 1-based): chr2:159,373,191, T>C on the plus strand (A>G on the coding strand, the complement: BAZ2B is on the minus strand). VCF-style: chr2-159373191-T-C. GRCh37 (hg19) VCF-style: chr2-160229702-T-C.
Other names: c.3961-2A>G (NM_001289975.1); c.3907-2A>G (NM_001329857.2); c.3994-2A>G (NM_001329858.2).
Identifiers: ClinVar variation 3369249 (VCV003369249.1).

ClinVar aggregate classification (germline): Uncertain significance (1 of 4 stars; one submission).

Submission:

GeneDx
Classification: Uncertain significance. Last evaluated: 2024-02-15. Review status: criteria provided, single submitter. Criteria: GeneDx Variant Classification Process June 2021. Collection method: clinical testing. Allele origin: germline. Affected: yes.
Comment: Not observed at significant frequency in large population cohorts (gnomAD); Has not been previously published as pathogenic or benign to our knowledge; Canonical splice site variant in a gene for which loss-of-function is not a known mechanism of disease